The following is an entry in ClinVar:

ClinVar aggregate classification (germline): Uncertain significance (1 of 4 stars; one submission).

Conditions:
Spastic paraplegia. Identifiers: MedGen C0037772, HP:0001258.

Allele frequency attached by ClinVar (database versions not stated): gnomAD 0.00001; gnomAD exomes below 0.00001; TOPMed 0.00002.

Submissions (2):

Labcorp Genetics (formerly Invitae), Labcorp
Classification: Uncertain significance for Spastic paraplegia. Last evaluated: 2017-09-14. Review status: criteria provided, single submitter. Criteria: Invitae Variant Classification Sherloc (09022015). Collection method: clinical testing. Allele origin: germline.
Comment: This sequence change replaces serine with cysteine at codon 337 of the ZFYVE27 protein (p.Ser337Cys). The serine residue is highly conserved and there is a moderate physicochemical difference between serine and cysteine. This variant is not present in population databases (ExAC no frequency). This variant has not been reported in the literature in individuals with ZFYVE27-related disease. Algorithms developed to predict the effect of missense changes on protein structure and function (SIFT, PolyPhen-2, Align-GVGD) all suggest that this variant is likely to be disruptive, but these predictions have not been confirmed by published functional studies and their clinical significance is uncertain. Algorithms developed to predict the effect of sequence changes on RNA splicing suggest that this variant may create or strengthen a splice site, but this prediction has not been confirmed by published transcriptional studies. In summary, the available evidence is currently insufficient to determine the role of this variant in disease. Therefore, it has been classified as a Variant of Uncertain Significance.

Dr. Peter K. Rogan Lab, Western University
No classification provided (evidence only). Condition: Ovarian serous cystadenocarcinoma. Review status: no classification provided. Collection method: in vitro. Allele origin: not applicable. Functional consequence: retained intron. Not counted in ClinVar's aggregate classification.

NM_001385875.1(ZFYVE27):c.995C>G (p.Ser332Cys)

Gene: ZFYVE27 (zinc finger FYVE-type containing 27; plus strand). Cytogenetic location: 10q24.2.
Variant type: single nucleotide variant.
Coding change: c.995C>G on transcript NM_001385875.1 (MANE Select); coding-DNA position 995, C replaced by G.
Protein change: p.Ser332Cys; replaces serine 332 with cysteine.
Molecular consequence: missense variant. On other transcripts: non-coding transcript variant (17).
Genome position (GRCh38, 1-based): chr10:97,753,135, C>G. VCF-style: chr10-97753135-C-G. GRCh37 (hg19) VCF-style: chr10-99512892-C-G.
Other names: c.1028C>G, p.Ser343Cys (NM_001385876.1); c.992C>G, p.Ser331Cys (NM_001385877.1); c.989C>G, p.Ser330Cys (NM_001385878.1, NM_001385879.1, NM_001385882.1); c.974C>G, p.Ser325Cys (NM_001385880.1, NM_001385881.1, NM_001385883.1 and 2 more transcripts); c.914C>G, p.Ser305Cys (NM_001385885.1); c.770C>G, p.Ser257Cys (NM_001385896.1, NM_001385897.1, NM_001385898.1); c.758C>G, p.Ser253Cys (NM_001385899.1, NM_001385900.1); c.752C>G, p.Ser251Cys (NM_001385901.1, NM_001385902.1, NM_001385903.1 and 1 more transcripts); and 14 more; short protein forms S332C, S337C, S232C, S325C, S207C, S293C, S239C, S114C.
Identifiers: ClinVar variation 527975 (VCV000527975.9), dbSNP rs1442129328, ClinGen allele CA377998148.